The following is an entry in ClinVar:

NM_024876.4(COQ8B):c.223-5C>T

Gene: COQ8B (coenzyme Q8B; minus strand). Cytogenetic location: 19q13.2.
Variant type: single nucleotide variant.
Coding change: c.223-5C>T on transcript NM_024876.4 (MANE Select); 5 bases into the intron before coding-DNA position 223, C replaced by T.
Molecular consequence: intron variant.
Genome position (GRCh38, 1-based): chr19:40,714,138, G>A on the plus strand (C>T on the coding strand, the complement: COQ8B is on the minus strand). VCF-style: chr19-40714138-G-A. GRCh37 (hg19) VCF-style: chr19-41220043-G-A.
Other names: c.223-5C>T (NM_001142555.3, NM_024876.3).
Identifiers: ClinVar variation 1581401 (VCV001581401.9), dbSNP rs764853962, ClinGen allele CA9450498.
Genomic context (GRCh38, chr19:40,714,138, plus strand): 5'-GCCAAGCGGCTGATGCGGGAGGCAGGCACCTTGCGTTCTCGAGAGCGGTCACTCAGCTGG[G>A]AAATGGGGACAAGGTCTGAGGGTGGGAAAGTGGGCATCGTGGCCAGAGAGTGCAGCCACT-3'

ClinVar aggregate classification (germline): Conflicting classifications of pathogenicity. Review status: criteria provided, conflicting classifications (1 of 4 stars). 2 submissions from 2 submitters: Uncertain significance (1); Likely benign (1). Last evaluated 2025-11-23.

Conditions:
Inborn genetic diseases. Identifiers: MedGen C0950123, MeSH D030342.

Allele frequency attached by ClinVar (database versions not stated): ExAC 0.00003; TOPMed 0.00003; gnomAD exomes 0.00004.
gnomAD v4.1: 5 of 1,614,194 alleles (0.00031%); highest among the groups gnomAD compares: East Asian, 0.011%; no homozygotes.

Submissions (2):

Labcorp Genetics (formerly Invitae), Labcorp
Classification: Likely benign. Last evaluated: 2025-11-23. Review status: criteria provided, single submitter. Criteria: Invitae Variant Classification Sherloc (09022015). Collection method: clinical testing. Allele origin: germline.

Ambry Genetics
Classification: Uncertain significance for Inborn genetic diseases. Last evaluated: 2025-03-12. Review status: criteria provided, single submitter. Criteria: Ambry Variant Classification Scheme 2023. Collection method: clinical testing. Allele origin: germline.
Comment: The c.223-5C>T intronic alteration consists of a C to T substitution 5 nucleotides before coding exon 3 in the COQ8B gene. Based on insufficient or conflicting evidence, the clinical significance of this alteration remains unclear.